The following is an entry in ClinVar:

ClinVar aggregate classification (germline): Uncertain significance (1 of 4 stars; one submission).

Submission:

GeneDx
Classification: Uncertain significance. Last evaluated: 2024-04-08. Review status: criteria provided, single submitter. Criteria: GeneDx Variant Classification Process June 2021. Collection method: clinical testing. Allele origin: germline. Affected: yes.
Comment: Not observed at significant frequency in large population cohorts (gnomAD); In silico analysis supports that this missense variant has a deleterious effect on protein structure/function; Has not been previously published as pathogenic or benign to our knowledge

NM_001012426.2(FOXP4):c.1382A>G (p.Tyr461Cys)

Gene: FOXP4 (forkhead box P4; plus strand). Cytogenetic location: 6p21.1.
Variant type: single nucleotide variant.
Coding change: c.1382A>G on transcript NM_001012426.2 (MANE Select); coding-DNA position 1382, A replaced by G.
Protein change: p.Tyr461Cys; replaces tyrosine 461 with cysteine.
Molecular consequence: missense variant.
Genome position (GRCh38, 1-based): chr6:41,590,295, A>G. VCF-style: chr6-41590295-A-G. GRCh37 (hg19) VCF-style: chr6-41558033-A-G.
Other names: c.1376A>G, p.Tyr459Cys (NM_001012427.2); c.1346A>G, p.Tyr449Cys (NM_001405824.1); c.1286A>G, p.Tyr429Cys (NM_001405825.1); c.1250A>G, p.Tyr417Cys (NM_001405826.1); c.1343A>G, p.Tyr448Cys (NM_138457.3); short protein forms Y417C, Y429C, Y448C, Y449C, Y459C, Y461C.
Identifiers: ClinVar variation 3372260 (VCV003372260.1).